The following is an entry in ClinVar:

ClinVar aggregate classification (germline): Uncertain significance. Review status: criteria provided, multiple submitters, no conflicts (2 of 4 stars). 4 submissions from 4 submitters: Uncertain significance (3). 1 of the submissions does not count toward it. Last evaluated 2024-07-24.

Conditions:
Cerebral creatine deficiency syndrome. Also called: Creatine deficiency syndromes. Identifiers: Orphanet 79172, MedGen C5244016, MONDO:0000456.
Deficiency of guanidinoacetate methyltransferase (CCDS2). Also called: CEREBRAL CREATINE DEFICIENCY SYNDROME 2; GAMT DEFICIENCY; Guanidinoacetate Methyltransferase (GAMT) Deficiency. Identifiers: Orphanet 382, MedGen C0574080, MONDO:0012999, OMIM 612736.
Inborn genetic diseases. Identifiers: MedGen C0950123, MeSH D030342.

Allele frequency attached by ClinVar (database versions not stated): gnomAD 0.00001.
gnomAD v4.1: 17 of 1,613,398 alleles (0.0011%); highest among the groups gnomAD compares: African/African-American, 0.017%; no homozygotes.

Submissions (4):

Blueprint Genetics
Classification: Uncertain significance. Last evaluated: 2024-07-24. Review status: criteria provided, single submitter. Criteria: ACMG Guidelines, 2015. Collection method: clinical testing. Allele origin: germline.

Ambry Genetics
Classification: Uncertain significance for Inborn genetic diseases. Last evaluated: 2024-05-16. Review status: criteria provided, single submitter. Criteria: Ambry Variant Classification Scheme 2023. Collection method: clinical testing. Allele origin: germline.

Labcorp Genetics (formerly Invitae), Labcorp
Classification: Uncertain significance for Cerebral creatine deficiency syndrome. Last evaluated: 2022-08-10. Review status: criteria provided, single submitter. Criteria: Invitae Variant Classification Sherloc (09022015). Collection method: clinical testing. Allele origin: germline.
Comment: This sequence change replaces isoleucine, which is neutral and non-polar, with leucine, which is neutral and non-polar, at codon 185 of the GAMT protein (p.Ile185Leu). This variant is present in population databases (rs757108273, gnomAD 0.003%). This variant has not been reported in the literature in individuals affected with GAMT-related conditions. ClinVar contains an entry for this variant (Variation ID: 478016). Algorithms developed to predict the effect of missense changes on protein structure and function output the following: SIFT: "Tolerated"; PolyPhen-2: "Benign"; Align-GVGD: "Class C0". The leucine amino acid residue is found in multiple mammalian species, which suggests that this missense change does not adversely affect protein function. In summary, the available evidence is currently insufficient to determine the role of this variant in disease. Therefore, it has been classified as a Variant of Uncertain Significance.

Natera, Inc.
Classification: Uncertain significance for Guanidinoacetate methyltransferase deficiency. Last evaluated: 2019-10-28. Review status: no assertion criteria provided. Collection method: clinical testing. Allele origin: germline. Not counted in ClinVar's aggregate classification.

NM_000156.6(GAMT):c.553A>C (p.Ile185Leu)

Gene: GAMT (guanidinoacetate N-methyltransferase; minus strand). Cytogenetic location: 19p13.3.
Variant type: single nucleotide variant.
Coding change: c.553A>C on transcript NM_000156.6 (MANE Select); coding-DNA position 553, A replaced by C.
Protein change: p.Ile185Leu; replaces isoleucine 185 with leucine.
Molecular consequence: missense variant.
Genome position (GRCh38, 1-based): chr19:1,398,933, T>G on the plus strand (A>C on the coding strand, the complement: GAMT is on the minus strand). VCF-style: chr19-1398933-T-G. GRCh37 (hg19) VCF-style: chr19-1398932-T-G.
Other names: c.553A>C, p.Ile185Leu (NM_138924.3); short protein forms I185L.
Identifiers: ClinVar variation 478016 (VCV000478016.5), dbSNP rs757108273, ClinGen allele CA9043614.
Genomic context (GRCh38, chr19:1,398,933, plus strand): 5'-GGTCACTTCCTGGAGACCCATGGGGAACTTCAGGTGGGCGCACCTCAAACATGATGGTGA[T>G]GTCTGAGTACTTGGACTTCATCAGCTCCCCCCAGGAGGTGAGGTTGCAGTAGGTGAGGAC-3'
Protein context (NP_000147.1, residues 175-195): GELMKSKYSD[Ile185Leu]TIMFEETQVP